The following is an entry in ClinVar:

NM_000384.3(APOB):c.4243A>G (p.Lys1415Glu)

Gene: APOB (apolipoprotein B; minus strand). Cytogenetic location: 2p24.1.
Variant type: single nucleotide variant.
Coding change: c.4243A>G on transcript NM_000384.3 (MANE Select); coding-DNA position 4243, A replaced by G.
Protein change: p.Lys1415Glu; replaces lysine 1415 with glutamic acid.
Molecular consequence: missense variant.
Genome position (GRCh38, 1-based): chr2:21,012,625, T>C on the plus strand (A>G on the coding strand, the complement: APOB is on the minus strand). VCF-style: chr2-21012625-T-C. GRCh37 (hg19) VCF-style: chr2-21235497-T-C.
Other names: short protein forms K1415E.
Identifiers: ClinVar variation 4788942 (VCV004788942.1).

ClinVar aggregate classification (germline): Uncertain significance (1 of 4 stars; one submission).

Conditions:
Familial hypobetalipoproteinemia 1. Also called: APOB-Related Familial Hypobetalipoproteinemia; Hypobetalipoproteinemia, normotriglyceridemic; Acanthocytosis with hypobetalipoproteinemia. Identifiers: MedGen C4551990, MONDO:0014252, OMIM 615558.
Hypercholesterolemia, autosomal dominant, type B (FHCL2). Also called: APOB-Related Familial Hypercholesterolemia, Autosomal Dominant; Familial hypercholesterolemia 2; Familial Hypercholesterolemia Type B; APOLIPOPROTEIN B-100, FAMILIAL DEFECTIVE; APOLIPOPROTEIN B-100, FAMILIAL LIGAND-DEFECTIVE; HYPERCHOLESTEROLEMIA, FAMILIAL, DUE TO LIGAND-DEFECTIVE APOLIPOPROTEIN B. Identifiers: MedGen C1704417, MONDO:0007751, OMIM 144010.

Submission:

Labcorp Genetics (formerly Invitae), Labcorp
Classification: Uncertain significance for Familial hypobetalipoproteinemia 1; Hypercholesterolemia, autosomal dominant, type B. Last evaluated: 2025-10-08. Review status: criteria provided, single submitter. Criteria: Invitae Variant Classification Sherloc (09022015). Collection method: clinical testing. Allele origin: germline.
Comment: This sequence change replaces lysine, which is basic and polar, with glutamic acid, which is acidic and polar, at codon 1415 of the APOB protein (p.Lys1415Glu). This variant is not present in population databases (gnomAD no frequency). This variant has not been reported in the literature in individuals affected with APOB-related conditions. Invitae Evidence Modeling of protein sequence and biophysical properties (such as structural, functional, and spatial information, amino acid conservation, physicochemical variation, residue mobility, and thermodynamic stability) indicates that this missense variant is not expected to disrupt APOB protein function with a negative predictive value of 95%. In summary, the available evidence is currently insufficient to determine the role of this variant in disease. Therefore, it has been classified as a Variant of Uncertain Significance.